The following is an entry in ClinVar:

ClinVar aggregate classification (germline): Uncertain significance (1 of 4 stars; one submission).

Submission:

GeneDx
Classification: Uncertain significance. Last evaluated: 2023-11-15. Review status: criteria provided, single submitter. Criteria: GeneDx Variant Classification Process June 2021. Collection method: clinical testing. Allele origin: germline. Affected: yes.
Comment: Intronic +5 splice site variant in a gene for which loss of function is a known mechanism of disease, and both splice predictors and evolutionary conservation support a deleterious effect, although in the absence of functional evidence the actual effect of this sequence change is unknown.; Not observed at significant frequency in large population cohorts (gnomAD); Has not been previously published as pathogenic or benign to our knowledge; This variant is associated with the following publications: (PMID: 23516486)

NM_000321.3(RB1):c.2713+5G>A

Gene: RB1 (RB transcriptional corepressor 1; plus strand). Cytogenetic location: 13q14.2.
Variant type: single nucleotide variant.
Coding change: c.2713+5G>A on transcript NM_000321.3 (MANE Select); 5 bases into the intron after coding-DNA position 2713, G replaced by A.
Molecular consequence: intron variant.
Genome position (GRCh38, 1-based): chr13:48,477,409, G>A. VCF-style: chr13-48477409-G-A. GRCh37 (hg19) VCF-style: chr13-49051545-G-A.
Other names: c.2713+5G>A (NM_001407165.1); c.163+5G>A (NM_001407168.1).
Identifiers: ClinVar variation 3364204 (VCV003364204.1).
Genomic context (GRCh38, chr13:48,477,409, plus strand): 5'-CTGCAGTAAACATCTCCCAGGAGAGTCCAAATTTCAGCAGAAACTGGCAGAAATGAGTAA[G>A]TACTTTTTTCACCTTGTGTAAATGAAATAAACAATTGTTTACACTGCAAGAAGTCTTTTC-3'